The following is an entry in ClinVar:

NC_000023.10:g.(?_31171146)_(31227760_?)del

Gene: DMD (dystrophin; minus strand). Cytogenetic location: Xp21.2.
Variant type: Deletion.
Identifiers: ClinVar variation 2425009 (VCV002425009.5).

ClinVar aggregate classification (germline): Pathogenic (1 of 4 stars; one submission).

Conditions:
Duchenne muscular dystrophy (DMD). Also called: Duchenne Muscular Dystrophy (DMD); MUSCULAR DYSTROPHY, PSEUDOHYPERTROPHIC PROGRESSIVE, DUCHENNE TYPE. Identifiers: Orphanet 98896, MedGen C0013264, MONDO:0010679, OMIM 310200.

Submission:

Labcorp Genetics (formerly Invitae), Labcorp
Classification: Pathogenic for Duchenne muscular dystrophy. Last evaluated: 2022-02-15. Review status: criteria provided, single submitter. Criteria: Invitae Variant Classification Sherloc (09022015). Collection method: clinical testing. Allele origin: germline.
Comment: This variant disrupts a region of the DMD protein in which other variant(s) (p.Glu3367del) have been determined to be pathogenic (PMID: 14961551, 19959795, 21515508, 23536893, 30342905). This suggests that this is a clinically significant region of the protein, and that variants that disrupt it are likely to be disease-causing. For these reasons, this variant has been classified as Pathogenic. This variant has not been reported in the literature in individuals affected with DMD-related conditions. This variant results in the deletion of exons 66-74 and part of exon 65 (c.9418_10554-5511del) of the DMD gene. It is expected to disrupt RNA splicing. Variants that disrupt the donor or acceptor splice site typically lead to a loss of protein function (PMID: 16199547), and loss-of-function variants in DMD are known to be pathogenic (PMID: 16770791, 25007885).

Literature cited by the submitters: PubMed 14961551; PubMed 19959795; PubMed 21515508; PubMed 23536893; PubMed 30342905; PubMed 16199547; PubMed 16770791; PubMed 25007885.